The following is an entry in ClinVar:

NM_001080517.3(SETD5):c.2686dup (p.Thr896fs)

Gene: SETD5 (SET domain containing 5; plus strand). Cytogenetic location: 3p25.3.
Variant type: Duplication.
Coding change: c.2686dup on transcript NM_001080517.3 (MANE Select); coding-DNA position 2686, one base duplicated (A; older notation c.2686dupA).
Protein change: p.Thr896fs; shifts the reading frame from threonine 896.
Molecular consequence: frameshift variant.
Genome position (GRCh38, 1-based): chr3:9,464,634, A duplicated. VCF-style (leftmost placement, unchanged base first): chr3-9464633-T-TA. GRCh37 (hg19) VCF-style: chr3-9506317-T-TA.
Other names: c.2392dup, p.Thr798fs (NM_001292043.2, NM_001349451.2); short protein forms T798fs, T896fs.
Identifiers: ClinVar variation 2502811 (VCV002502811.2), dbSNP rs2473602891, ClinGen allele CA2580614129.
Genomic context (GRCh38, chr3:9,464,633, plus strand): 5'-CCCAGGAGAAGAGGAGTGTCGAAATGGATACAGCCTCATGTTTTCACCAGTCACATCTCT[T>TA]ACTACTGCTAGTCGCTGCAACACTCCTCTACAGTTTGAGGTGATTTGGGTTTGGTTGCTG-3'

ClinVar aggregate classification (germline): Pathogenic (1 of 4 stars; one submission).

Submission:

GeneDx
Classification: Pathogenic. Last evaluated: 2025-08-28. Review status: criteria provided, single submitter. Criteria: GeneDx Variant Classification Process June 2021. Collection method: clinical testing. Allele origin: germline.
Comment: Frameshift variant predicted to result in protein truncation or nonsense mediated decay in a gene for which loss of function is a known mechanism of disease; Not observed at significant frequency in large population cohorts (gnomAD); Has not been previously published as pathogenic or benign to our knowledge